The following is an entry in ClinVar:

ClinVar aggregate classification (germline): Pathogenic (1 of 4 stars; one submission).

Submission:

Quest Diagnostics Nichols Institute San Juan Capistrano
Classification: Pathogenic. Last evaluated: 2024-09-11. Review status: criteria provided, single submitter. Criteria: ACMG/ClinGen CNV Guidelines, 2019. Collection method: clinical testing. Allele origin: unknown.
Comment: This loss involves multiple exons (NM_015265.4) of an intragenic portion of SATB2 (OMIM 608148). Haploinsufficiency of SATB2 is associated with autosomal dominant Glass syndrome (OMIM 612313; Rehm 2015, Zarate 2024), sometimes referred to as chromosome 2q32-q33 deletion syndrome. Intragenic deletions have been reported in affected individuals (Zarate 2019, Zarate 2023). There are no similar copy number losses of this region in the general populations of the Database of Genomic Variants. Thus, based on current medical literature and gene content, this copy number variant (CNV) is classified as pathogenic. References: Rehm et al., N Engl J Med. 2015 Jun 4;372(23):2235-42. PMID: 26014595 Zarate et al., GeneReviews [2024 June 20]. PMID: 29023086 Zarate et al., Hum Mutat. 2019 Aug;40(8):1013-1029. PMID: 31021519 Zarate et al., Hum Mutat. 2023 Apr; 1-9. 10.1155/2023/8200176

GRCh37/hg19 2q33.1(chr2:200230824-200278055)x1

Gene: SATB2 (SATB homeobox 2; minus strand). Cytogenetic location: 2q33.1.
Variant type: copy number loss.
Change: copy number 1 (one copy instead of two) of chr2:200,230,824-200,278,055 (47.2 kb, GRCh37 coordinates, 1-based), cytogenetic band 2q33.1.
Identifiers: ClinVar variation 4682544 (VCV004682544.1).